The following is an entry in ClinVar:

NM_001852.4(COL9A2):c.676G>C (p.Gly226Arg)

Gene: COL9A2 (collagen type IX alpha 2 chain; minus strand). Cytogenetic location: 1p34.2.
Variant type: single nucleotide variant.
Coding change: c.676G>C on transcript NM_001852.4 (MANE Select); coding-DNA position 676, G replaced by C.
Protein change: p.Gly226Arg; replaces glycine 226 with arginine.
Molecular consequence: missense variant.
Genome position (GRCh38, 1-based): chr1:40,310,722, C>G on the plus strand (G>C on the coding strand, the complement: COL9A2 is on the minus strand). VCF-style: chr1-40310722-C-G. GRCh37 (hg19) VCF-style: chr1-40776394-C-G.
Other names: short protein forms G226R.
Identifiers: ClinVar variation 1719688 (VCV001719688.5), dbSNP rs2522544836, ClinGen allele CA339854523.
Genomic context (GRCh38, chr1:40,310,722, plus strand): 5'-AGGGCTCCTGGGGTGAGGGAGAAGAGGGCCACTGAGGCAAGGTGTTCCTTACCGGTGGTC[C>G]AGGGATGCCTTGCTCTCCAGAGGCACCCACATCTCCCTTGGGACCCTAAAGGGCAGGGAT-3'
Protein context (NP_001843.1, residues 216-236): VGASGEQGIP[Gly226Arg]PPGPQGIRGY

ClinVar aggregate classification (germline): Uncertain significance (1 of 4 stars; one submission).

Submission:

Labcorp Genetics (formerly Invitae), Labcorp
Classification: Uncertain significance. Last evaluated: 2022-09-17. Review status: criteria provided, single submitter. Criteria: Invitae Variant Classification Sherloc (09022015). Collection method: clinical testing. Allele origin: germline.
Comment: In summary, the available evidence is currently insufficient to determine the role of this variant in disease. Therefore, it has been classified as a Variant of Uncertain Significance. Advanced modeling of protein sequence and biophysical properties (such as structural, functional, and spatial information, amino acid conservation, physicochemical variation, residue mobility, and thermodynamic stability) performed at Invitae indicates that this missense variant is expected to disrupt COL9A2 protein function. This variant has not been reported in the literature in individuals affected with COL9A2-related conditions. This variant is not present in population databases (gnomAD no frequency). This sequence change replaces glycine, which is neutral and non-polar, with arginine, which is basic and polar, at codon 226 of the COL9A2 protein (p.Gly226Arg).